The following is an entry in ClinVar:

ClinVar aggregate classification (germline): Benign (1 of 4 stars; one submission).

Conditions:
Familial cancer of breast. Also called: Hereditary breast cancer; hereditary breast carcinoma; BREAST CANCER, FAMILIAL. Identifiers: Orphanet 227535, MedGen C0346153, MONDO:0016419, OMIM 114480. Disease mechanism: loss of function.

Submission:

Myriad Genetics, Inc.
Classification: Benign for Familial cancer of breast. Last evaluated: 2025-01-13. Review status: criteria provided, single submitter. Criteria: Myriad Autosomal Dominant, Autosomal Recessive and X-Linked Classification Criteria (2023). Collection method: clinical testing. Allele origin: unknown.
Comment: This variant is considered benign. This variant is a silent/synonymous amino acid change and it is not expected to impact splicing.

NM_024675.4(PALB2):c.951A>G (p.Thr317=)

Gene: PALB2 (partner and localizer of BRCA2; minus strand). Cytogenetic location: 16p12.2.
Variant type: single nucleotide variant.
Coding change: c.951A>G on transcript NM_024675.4 (MANE Select); coding-DNA position 951, A replaced by G.
Protein change: p.Thr317=; no amino-acid change (threonine 317 retained).
Molecular consequence: synonymous variant. On other transcripts: intron variant (3).
Genome position (GRCh38, 1-based): chr16:23,635,595, T>C on the plus strand (A>G on the coding strand, the complement: PALB2 is on the minus strand). VCF-style: chr16-23635595-T-C. GRCh37 (hg19) VCF-style: chr16-23646916-T-C.
Other names: c.891A>G, p.Thr297= (NM_001407296.1); c.951A>G, p.Thr317= (NM_001407297.1, NM_001407298.1, NM_001407299.1 and 3 more transcripts); c.66A>G, p.Thr22= (NM_001407304.1, NM_001407305.1, NM_001407306.1 and 5 more transcripts); c.48+5515A>G (NM_001407314.1); c.-104-5126A>G (NM_001407313.1, NM_001407312.1).
Identifiers: ClinVar variation 3903892 (VCV003903892.1).